The following continues an entry in ClinVar:

NM_000179.3(MSH6):c.866_867delinsAA (p.Gly289Glu)

Gene: MSH6. ClinVar aggregate classification (germline): Conflicting classifications of pathogenicity. Uncertain significance (11); Likely benign (5).

Submissions 15 to 18 of 18:

Laboratory for Molecular Medicine, Mass General Brigham Personalized Medicine
Classification: Uncertain significance. Last evaluated: 2016-11-15. Review status: criteria provided, single submitter. Criteria: LMM Criteria. Collection method: clinical testing. Allele origin: germline. Observed: 2 variant alleles.
Comment: The p.Gly289Glu variant in MSH6 has been classified as a variant of uncertain si gnificance on September 5, 2013 by the ClinGen-approved InSiGHT Expert Panel (Cl inVar SCV000108262.2). It has been reported in 2 individuals with Lynch syndrome associated tumors (Colley 2005, Devlin 2008) and is present in 4/66588 of Europ ean chromosomes in the Exome Aggregation Consortium database (ExAC., note that the ExAC database reports this variant as 2 separa te substitutions in cis, c.866G>A [rs267608079] and c.867C>A [rs267608047]). Com putational prediction tools and conservation analysis are limited or unavailable for this variant. In summary, the clinical significance of the p.Gly289Glu vari ant is uncertain.

Center for Human Genetics, Inc
Classification: Uncertain significance for Lynch syndrome 5. Last evaluated: 2016-11-01. Review status: criteria provided, single submitter. Criteria: ACMG Guidelines, 2015. Collection method: clinical testing. Allele origin: germline. Affected: yes.

Counsyl
Classification: Uncertain significance for Lynch syndrome 5. Last evaluated: 2016-01-22. Review status: no assertion criteria provided. Collection method: clinical testing. Allele origin: unknown. Not counted in ClinVar's aggregate classification.

Department of Pathology and Laboratory Medicine, Sinai Health System
Classification: Uncertain significance for Lynch syndrome. Review status: no assertion criteria provided. Collection method: clinical testing. Allele origin: unknown. Affected: yes. Study: The Canadian Open Genetics Repository (COGR). Not counted in ClinVar's aggregate classification.
Comment: The p.Gly289Glu variant has been previously reported in the literature in 2/880 proband chromosomes. One individual had multiple colorectal adenomas and the other had HNPCC (Colley 2005, Devlin 2008). However, race-matched population controls were not sequenced in these studies and so it is possible that the full spectrum of benign variation has not yet been defined for this gene, and this variant may be benign. The p.Gly289 residue is not conserved across mammals and lower species increasing the likelihood that this is a benign variant. In summary, based on the above information, the clinical significance of this variant cannot be determined at this time. Therefore, this variant is classified as a variant of unknown significance.

Literature cited by the submitters: PubMed 16010685 (cited by 5 submitters); PubMed 20028993 (cited by 5 submitters); PubMed 18269114 (cited by 7 submitters); PubMed 23621914 (cited by 4 submitters); PubMed 26898890 (cited by 3 submitters); PubMed 26333163 (cited by Women's Health and Genetics/Laboratory Corporation of America, LabCorp and Quest Diagnostics Nichols Institute San Juan Capistrano); PubMed 31422818 (cited by Women's Health and Genetics/Laboratory Corporation of America, LabCorp and Mayo Clinic Laboratories, Mayo Clinic); PubMed 33471991 (cited by Quest Diagnostics Nichols Institute San Juan Capistrano); PubMed 27997549 (cited by Quest Diagnostics Nichols Institute San Juan Capistrano); PubMed 26635394 (cited by Counsyl).